The following is an entry in ClinVar:

ClinVar aggregate classification (germline): Uncertain significance (1 of 4 stars; one submission).

Conditions:
Rhabdoid tumor predisposition syndrome 2 (RTPS2). Identifiers: Orphanet 231108, Orphanet 69077, MedGen C2750074, MONDO:0013224, OMIM 613325.

Submission:

Labcorp Genetics (formerly Invitae), Labcorp
Classification: Uncertain significance for Rhabdoid tumor predisposition syndrome 2. Last evaluated: 2020-08-06. Review status: criteria provided, single submitter. Criteria: Invitae Variant Classification Sherloc (09022015). Collection method: clinical testing. Allele origin: germline.
Comment: In summary, the available evidence is currently insufficient to determine the role of this variant in disease. Therefore, it has been classified as a Variant of Uncertain Significance. Algorithms developed to predict the effect of missense changes on protein structure and function (SIFT, PolyPhen-2, Align-GVGD) all suggest that this variant is likely to be disruptive, but these predictions have not been confirmed by published functional studies and their clinical significance is uncertain. This variant has not been reported in the literature in individuals with SMARCA4-related conditions. This variant is not present in population databases (ExAC no frequency). This sequence change replaces glycine with glutamic acid at codon 1160 of the SMARCA4 protein (p.Gly1160Glu). The glycine residue is highly conserved and there is a moderate physicochemical difference between glycine and glutamic acid.

NM_003072.5(SMARCA4):c.3479G>A (p.Gly1160Glu)

Gene: SMARCA4 (SWI/SNF related BAF chromatin remodeling complex subunit ATPase 4; plus strand). Cytogenetic location: 19p13.2.
Variant type: single nucleotide variant.
Coding change: c.3479G>A on transcript NM_003072.5 (MANE Select); coding-DNA position 3479, G replaced by A.
Protein change: p.Gly1160Glu; replaces glycine 1160 with glutamic acid.
Molecular consequence: missense variant. On other transcripts: non-coding transcript variant (1).
Genome position (GRCh38, 1-based): chr19:11,030,826, G>A. VCF-style: chr19-11030826-G-A. GRCh37 (hg19) VCF-style: chr19-11141502-G-A.
Other names: c.3479G>A, p.Gly1160Glu (NM_001128844.3, NM_001128845.2, NM_001128846.2 and 5 more transcripts); short protein forms G1160E.
Identifiers: ClinVar variation 1045529 (VCV001045529.8), dbSNP rs2074877069, ClinGen allele CA404063079.
Genomic context (GRCh38, chr19:11,030,826, plus strand): 5'-AAACCTTCAACGAGCCCGGCTCTGAGTACTTCATCTTCCTGCTCAGCACCCGGGCTGGGG[G>A]GCTCGGCCTGAACCTCCAGTCGGCAGACACTGTGATCATTTTTGACAGCGACTGGAATCC-3'
Protein context (NP_003063.2, residues 1150-1170): FIFLLSTRAG[Gly1160Glu]LGLNLQSADT